The following is an entry in ClinVar:

ClinVar aggregate classification (germline): Uncertain significance (1 of 4 stars; one submission).

Conditions:
Inborn genetic diseases. Identifiers: MedGen C0950123, MeSH D030342.

gnomAD v4.1: 1 of 1,607,022 alleles (0.000062%); highest among the groups gnomAD compares: African/African-American, 0.0013%; no homozygotes.

Submission:

Ambry Genetics
Classification: Uncertain significance for Inborn genetic diseases. Last evaluated: 2026-07-13. Review status: criteria provided, single submitter. Criteria: Ambry Variant Classification Scheme 2023. Collection method: clinical testing. Allele origin: germline.
Comment: The p.A157T variant (also known as c.469G>A), located in coding exon 2 of the GATA2 gene, results from a G to A substitution at nucleotide position 469. The alanine at codon 157 is replaced by threonine, an amino acid with similar properties. This amino acid position is not well conserved in available vertebrate species. In addition, the in silico prediction for this alteration is inconclusive. Based on the available evidence, the clinical significance of this variant remains unclear.

NM_032638.5(GATA2):c.469G>A (p.Ala157Thr)

Gene: GATA2 (GATA binding protein 2; minus strand). Cytogenetic location: 3q21.3.
Variant type: single nucleotide variant.
Coding change: c.469G>A on transcript NM_032638.5 (MANE Select); coding-DNA position 469, G replaced by A.
Protein change: p.Ala157Thr; replaces alanine 157 with threonine.
Molecular consequence: missense variant.
Genome position (GRCh38, 1-based): chr3:128,486,129, C>T on the plus strand (G>A on the coding strand, the complement: GATA2 is on the minus strand). VCF-style: chr3-128486129-C-T. GRCh37 (hg19) VCF-style: chr3-128204972-C-T.
Other names: c.469G>A, p.Ala157Thr (NM_001145661.2, NM_001145662.1); short protein forms A157T.
Identifiers: ClinVar variation 5022217 (VCV005022217.1).